The following is an entry in ClinVar:

ClinVar aggregate classification (germline): Uncertain significance. Review status: criteria provided, multiple submitters, no conflicts (2 of 4 stars). 2 submissions from 2 submitters: Uncertain significance (2). Last evaluated 2024-01-08.

Conditions:
Fanconi anemia (FA). Also called: Fanconi's anemia. Identifiers: Orphanet 84, MedGen C0015625, MeSH D005199, MONDO:0019391.

Allele frequency attached by ClinVar (database versions not stated): TOPMed below 0.00001.
gnomAD v4.1: 1 of 1,613,892 alleles (0.000062%); highest among the groups gnomAD compares: Non-Finnish European, 0.000085%; no homozygotes.

Submissions (2):

GeneDx
Classification: Uncertain significance. Last evaluated: 2024-01-08. Review status: criteria provided, single submitter. Criteria: GeneDx Variant Classification Process June 2021. Collection method: clinical testing. Allele origin: germline. Affected: yes.
Comment: Not observed at significant frequency in large population cohorts (gnomAD); In silico analysis supports that this missense variant does not alter protein structure/function; Has not been previously published as pathogenic or benign to our knowledge

Labcorp Genetics (formerly Invitae), Labcorp
Classification: Uncertain significance for Fanconi anemia. Last evaluated: 2017-11-16. Review status: criteria provided, single submitter. Criteria: Invitae Variant Classification Sherloc (09022015). Collection method: clinical testing. Allele origin: germline.
Comment: In summary, the available evidence is currently insufficient to determine the role of this variant in disease. Therefore, it has been classified as a Variant of Uncertain Significance. Algorithms developed to predict the effect of missense changes on protein structure and function output the following: SIFT: "Tolerated"; PolyPhen-2: "Benign"; Align-GVGD: "Class C0". The glutamic acid amino acid residue is found in multiple mammalian species, suggesting that this missense change does not adversely affect protein function. These predictions have not been confirmed by published functional studies and their clinical significance is uncertain. This variant has not been reported in the literature in individuals with FANCM-related disease. This variant is not present in population databases (ExAC no frequency). This sequence change replaces aspartic acid with glutamic acid at codon 1122 of the FANCM protein (p.Asp1122Glu). The aspartic acid residue is weakly conserved and there is a small physicochemical difference between aspartic acid and glutamic acid.

NM_020937.4(FANCM):c.3366C>A (p.Asp1122Glu)

Gene: FANCM (FA complementation group M; plus strand). Cytogenetic location: 14q21.2.
Variant type: single nucleotide variant.
Coding change: c.3366C>A on transcript NM_020937.4 (MANE Select); coding-DNA position 3366, C replaced by A.
Protein change: p.Asp1122Glu; replaces aspartic acid 1122 with glutamic acid.
Molecular consequence: missense variant.
Genome position (GRCh38, 1-based): chr14:45,176,120, C>A. VCF-style: chr14-45176120-C-A. GRCh37 (hg19) VCF-style: chr14-45645323-C-A.
Other names: c.3366C>A (LRG_502t1); c.3288C>A, p.Asp1096Glu (NM_001308133.2); short protein forms D1122E, D1096E.
Identifiers: ClinVar variation 526311 (VCV000526311.9), dbSNP rs768546653, ClinGen allele CA389601227.